The following is an entry in ClinVar:

NM_001384474.1(LOXHD1):c.4740+13G>T

Gene: LOXHD1 (lipoxygenase homology PLAT domains 1; minus strand). Cytogenetic location: 18q21.1.
Variant type: single nucleotide variant.
Coding change: c.4740+13G>T on transcript NM_001384474.1 (MANE Select); 13 bases into the intron after coding-DNA position 4740, G replaced by T.
Molecular consequence: intron variant.
Genome position (GRCh38, 1-based): chr18:46,524,695, C>A on the plus strand (G>T on the coding strand, the complement: LOXHD1 is on the minus strand). VCF-style: chr18-46524695-C-A. GRCh37 (hg19) VCF-style: chr18-44104658-C-A.
Other names: c.1407+13G>T (NM_001145472.3); c.1119+13G>T (NM_001308013.2); c.4740+13G>T (NM_144612.7).
Identifiers: ClinVar variation 227526 (VCV000227526.12), dbSNP rs570127242, ClinGen allele CA8952303.

ClinVar aggregate classification (germline): Conflicting classifications of pathogenicity. Review status: criteria provided, conflicting classifications (1 of 4 stars). 4 submissions from 4 submitters: Uncertain significance (1); Benign (1); Likely benign (2). Last evaluated 2026-01-03.

Conditions:
Autosomal recessive nonsyndromic hearing loss 77. Identifiers: Orphanet 90636, MedGen C2746083, MONDO:0013119, OMIM 613079.

Allele frequency attached by ClinVar (database versions not stated): gnomAD 0.00006 and 0.00022; TOPMed 0.00007; 1000 Genomes Project 0.00020; 1000 Genomes Project 30x 0.00031; gnomAD exomes 0.00065; ExAC 0.00178.

Submissions (4):

Labcorp Genetics (formerly Invitae), Labcorp
Classification: Benign. Last evaluated: 2026-01-03. Review status: criteria provided, single submitter. Criteria: Invitae Variant Classification Sherloc (09022015). Collection method: clinical testing. Allele origin: germline.

Blueprint Genetics
Classification: Likely benign. Last evaluated: 2024-11-18. Review status: criteria provided, single submitter. Criteria: ACMG Guidelines, 2015. Collection method: clinical testing. Allele origin: germline.

Illumina Laboratory Services, Illumina
Classification: Uncertain significance for Autosomal recessive nonsyndromic hearing loss 77. Last evaluated: 2017-04-27. Review status: criteria provided, single submitter. Criteria: ICSL Variant Classification Criteria 13 December 2019. Collection method: clinical testing. Allele origin: germline.

Laboratory for Molecular Medicine, Mass General Brigham Personalized Medicine
Classification: Likely benign. Last evaluated: 2015-02-24. Review status: criteria provided, single submitter. Criteria: LMM Criteria. Collection method: clinical testing. Allele origin: germline. Observed: 3 variant alleles.
Comment: c.4740+13G>T in Intron 30 of LOXHD1: This variant is not expected to have clinic al significance because it is not located within the splice consensus sequence. It has been identified in 0.45% (37/7974) of South Asian chromosomes by the Exom e Aggregation Consortium (ExAC).